The following is an entry in ClinVar:

NM_020549.5(CHAT):c.839A>G (p.Tyr280Cys)

Gene: CHAT (choline O-acetyltransferase; plus strand). Cytogenetic location: 10q11.23.
Variant type: single nucleotide variant.
Coding change: c.839A>G on transcript NM_020549.5 (MANE Select); coding-DNA position 839, A replaced by G.
Protein change: p.Tyr280Cys; replaces tyrosine 280 with cysteine.
Molecular consequence: missense variant.
Genome position (GRCh38, 1-based): chr10:49,625,559, A>G. VCF-style: chr10-49625559-A-G. GRCh37 (hg19) VCF-style: chr10-50833605-A-G.
Other names: c.485A>G, p.Tyr162Cys (NM_001142929.2, NM_001142934.2, NM_020984.4 and 2 more transcripts); c.593A>G, p.Tyr198Cys (NM_001142933.2); short protein forms Y280C, Y198C, Y162C.
Identifiers: ClinVar variation 1039381 (VCV001039381.8), dbSNP rs1186633197, ClinGen allele CA376730051.
Genomic context (GRCh38, chr10:49,625,559, plus strand): 5'-AAGGCCAGCTGTCAGGGCAGCCCCTTTGCATGAAGCAATACTATGGGCTCTTCTCCTCCT[A>G]CCGGCTCCCCGGCCATACCCAGGACACGCTGGTGGCTCAGAACAGCAGCATCATGCCGGA-3'
Protein context (NP_065574.4, residues 270-290): MKQYYGLFSS[Tyr280Cys]RLPGHTQDTL

ClinVar aggregate classification (germline): Uncertain significance (1 of 4 stars; one submission).

Conditions:
Familial infantile myasthenia (CMS6). Also called: Congenital myasthenic syndrome type 6; MYASTHENIC SYNDROME, PRESYNAPTIC, CONGENITAL, ASSOCIATED WITH EPISODIC APNEA; MYASTHENIC SYNDROME, CONGENITAL, 6, PRESYNAPTIC. Identifiers: Orphanet 590, MedGen C0393929, MONDO:0009689, OMIM 254210.

Allele frequency attached by ClinVar (database versions not stated): gnomAD exomes below 0.00001; gnomAD 0.00001; TOPMed 0.00001.
gnomAD v4.1: 2 of 1,612,912 alleles (0.00012%); highest among the groups gnomAD compares: Non-Finnish European, 0.00017%; no homozygotes.

Submission:

Labcorp Genetics (formerly Invitae), Labcorp
Classification: Uncertain significance for Familial infantile myasthenia. Last evaluated: 2025-12-15. Review status: criteria provided, single submitter. Criteria: Invitae Variant Classification Sherloc (09022015). Collection method: clinical testing. Allele origin: germline.
Comment: This sequence change replaces tyrosine, which is neutral and polar, with cysteine, which is neutral and slightly polar, at codon 280 of the CHAT protein (p.Tyr280Cys). This variant is not present in population databases (gnomAD no frequency). This variant has not been reported in the literature in individuals affected with CHAT-related conditions. ClinVar contains an entry for this variant (Variation ID: 1039381). Invitae Evidence Modeling of protein sequence and biophysical properties (such as structural, functional, and spatial information, amino acid conservation, physicochemical variation, residue mobility, and thermodynamic stability) indicates that this missense variant is not expected to disrupt CHAT protein function with a negative predictive value of 95%. In summary, the available evidence is currently insufficient to determine the role of this variant in disease. Therefore, it has been classified as a Variant of Uncertain Significance.